The following is an entry in ClinVar:

ClinVar aggregate classification (germline): Pathogenic (1 of 4 stars; one submission).

Submission:

GeneDx
Classification: Pathogenic. Last evaluated: 2013-11-27. Review status: criteria provided, single submitter. Criteria: GeneDx Variant Classification (06012015). Collection method: clinical testing. Allele origin: germline. Affected: yes.
Comment: The Leu119Arg missense change has not been published as a mutation, nor has it been reported as a benign polymorphism to our knowledge. It was not observed in approximately 5,300 individuals of European and African American ancestry in the NHLBI Exome Sequencing Project, indicating it is not a common benign variant in these populations. This variant is a non-conservative amino acid substitution of an uncharged, non-polar Leucine residue with a positively charged, polar Arginine residue at a highly conserved position in the protein kinase domain of the CDKL5 protein. In addition, in silico analysis predicts this variant is probably damaging to the protein structure/function. This variant has been observed de novo without verified parentage. The variant is found in INFANT-EPI panel(s).

NM_001323289.2(CDKL5):c.356T>G (p.Leu119Arg)

Gene: CDKL5 (cyclin dependent kinase like 5; plus strand). Cytogenetic location: Xp22.13.
Variant type: single nucleotide variant.
Coding change: c.356T>G on transcript NM_001323289.2 (MANE Select); coding-DNA position 356, T replaced by G.
Protein change: p.Leu119Arg; replaces leucine 119 with arginine.
Molecular consequence: missense variant.
Genome position (GRCh38, 1-based): chrX:18,579,921, T>G. VCF-style: chrX-18579921-T-G. GRCh37 (hg19) VCF-style: chrX-18598041-T-G.
Other names: p.L119R:CTA>CGA; c.356T>G, p.Leu119Arg (NM_001037343.2, NM_003159.3); short protein forms L119R.
Identifiers: ClinVar variation 156597 (VCV000156597.2), dbSNP rs587783078, ClinGen allele CA294593.